The following is an entry in ClinVar:

NM_000426.4(LAMA2):c.3911T>C (p.Ile1304Thr)

Gene: LAMA2 (laminin subunit alpha 2; plus strand). Cytogenetic location: 6q22.33.
Variant type: single nucleotide variant.
Coding change: c.3911T>C on transcript NM_000426.4 (MANE Select); coding-DNA position 3911, T replaced by C.
Protein change: p.Ile1304Thr; replaces isoleucine 1304 with threonine.
Molecular consequence: missense variant.
Genome position (GRCh38, 1-based): chr6:129,315,937, T>C. VCF-style: chr6-129315937-T-C. GRCh37 (hg19) VCF-style: chr6-129637082-T-C.
Other names: c.3911T>C, p.Ile1304Thr (NM_001079823.2); short protein forms I1304T.
Identifiers: ClinVar variation 1932643 (VCV001932643.2), dbSNP rs1252493254, ClinGen allele CA365613540.

ClinVar aggregate classification (germline): Uncertain significance (1 of 4 stars; one submission).

Conditions:
LAMA2-related muscular dystrophy (LAMA2-RD). Also called: Laminin alpha 2-related dystrophy. Identifiers: MedGen C5679788, MONDO:0100228.

Allele frequency attached by ClinVar (database versions not stated): gnomAD exomes below 0.00001.
gnomAD v4.1: 2 of 1,614,078 alleles (0.00012%); highest among the groups gnomAD compares: Non-Finnish European, 0.00017%; no homozygotes.

Submission:

Labcorp Genetics (formerly Invitae), Labcorp
Classification: Uncertain significance for LAMA2-related muscular dystrophy. Last evaluated: 2022-09-07. Review status: criteria provided, single submitter. Criteria: Invitae Variant Classification Sherloc (09022015). Collection method: clinical testing. Allele origin: germline.
Comment: This sequence change replaces isoleucine, which is neutral and non-polar, with threonine, which is neutral and polar, at codon 1304 of the LAMA2 protein (p.Ile1304Thr). This variant is not present in population databases (gnomAD no frequency). This variant has not been reported in the literature in individuals affected with LAMA2-related conditions. Advanced modeling of protein sequence and biophysical properties (such as structural, functional, and spatial information, amino acid conservation, physicochemical variation, residue mobility, and thermodynamic stability) performed at Invitae indicates that this missense variant is not expected to disrupt LAMA2 protein function. In summary, the available evidence is currently insufficient to determine the role of this variant in disease. Therefore, it has been classified as a Variant of Uncertain Significance.